The following is an entry in ClinVar:

ClinVar aggregate classification (germline): Uncertain significance. Review status: criteria provided, multiple submitters, no conflicts (2 of 4 stars). 3 submissions from 3 submitters: Uncertain significance (3). Last evaluated 2026-08-03.

Conditions:
Hereditary cancer-predisposing syndrome. Also called: Neoplastic Syndromes, Hereditary; Hereditary Cancer Syndrome; Tumor predisposition; Hereditary neoplastic syndrome. Identifiers: Orphanet 140162, MedGen C0027672, MeSH D009386, MONDO:0015356.
Familial thoracic aortic aneurysm and aortic dissection (TAAD). Also called: Thoracic aortic aneurysms and dissections. Identifiers: Orphanet 91387, MedGen C4707243, MONDO:0019625.
Juvenile polyposis syndrome (JPS). Identifiers: Orphanet 2929, MedGen C0345893, MONDO:0017380, OMIM 174900.

Submissions (3):

Ambry Genetics
Classification: Uncertain significance for Hereditary cancer-predisposing syndrome; Familial thoracic aortic aneurysm and aortic dissection. Last evaluated: 2026-08-03. Review status: criteria provided, single submitter. Criteria: Ambry Variant Classification Scheme 2023. Collection method: clinical testing. Allele origin: germline.
Comment: The p.H177L variant (also known as c.530A>T), located in coding exon 4 of the SMAD4 gene, results from an A to T substitution at nucleotide position 530. The histidine at codon 177 is replaced by leucine, an amino acid with similar properties. This amino acid position is highly conserved in available vertebrate species. In addition, this alteration is predicted to be deleterious by in silico analysis. Based on the available evidence, the clinical significance of this variant remains unclear.

GeneDx
Classification: Uncertain significance. Last evaluated: 2025-04-22. Review status: criteria provided, single submitter. Criteria: GeneDx Variant Classification Process June 2021. Collection method: clinical testing. Allele origin: germline. Affected: yes.
Comment: Not observed at significant frequency in large population cohorts (gnomAD); In silico analysis indicates that this missense variant does not alter protein structure/function; Has not been previously published as pathogenic or benign to our knowledge; This variant is associated with the following publications: (PMID: 15235019, 18823382, 22992590)

Labcorp Genetics (formerly Invitae), Labcorp
Classification: Uncertain significance for Juvenile polyposis syndrome. Last evaluated: 2025-01-12. Review status: criteria provided, single submitter. Criteria: Invitae Variant Classification Sherloc (09022015). Collection method: clinical testing. Allele origin: germline.
Comment: This sequence change replaces histidine, which is basic and polar, with leucine, which is neutral and non-polar, at codon 177 of the SMAD4 protein (p.His177Leu). This variant is not present in population databases (gnomAD no frequency). This variant has not been reported in the literature in individuals affected with SMAD4-related conditions. ClinVar contains an entry for this variant (Variation ID: 937046). Invitae Evidence Modeling of protein sequence and biophysical properties (such as structural, functional, and spatial information, amino acid conservation, physicochemical variation, residue mobility, and thermodynamic stability) indicates that this missense variant is not expected to disrupt SMAD4 protein function with a negative predictive value of 95%. In summary, the available evidence is currently insufficient to determine the role of this variant in disease. Therefore, it has been classified as a Variant of Uncertain Significance.

NM_005359.6(SMAD4):c.530A>T (p.His177Leu)

Gene: SMAD4 (SMAD family member 4; plus strand). Cytogenetic location: 18q21.2.
Variant type: single nucleotide variant.
Coding change: c.530A>T on transcript NM_005359.6 (MANE Select); coding-DNA position 530, A replaced by T.
Protein change: p.His177Leu; replaces histidine 177 with leucine.
Molecular consequence: missense variant.
Genome position (GRCh38, 1-based): chr18:51,054,856, A>T. VCF-style: chr18-51054856-A-T. GRCh37 (hg19) VCF-style: chr18-48581226-A-T.
Other names: short protein forms H177L.
Identifiers: ClinVar variation 937046 (VCV000937046.12), dbSNP rs1568205026, ClinGen allele CA402460845.